The following is an entry in ClinVar:

NM_022455.5(NSD1):c.5463C>T (p.Ser1821=)

Genes: NSD1 (nuclear receptor binding SET domain protein 1; plus strand), LOC126807619 (MED14-independent group 3 enhancer GRCh37_chr5:176696443-176697642; plus strand). Cytogenetic location: 5q35.3.
Variant type: single nucleotide variant.
Coding change: c.5463C>T on transcript NM_022455.5 (MANE Select); coding-DNA position 5463, C replaced by T.
Protein change: p.Ser1821=; no amino-acid change (serine 1821 retained).
Molecular consequence: synonymous variant.
Genome position (GRCh38, 1-based): chr5:177,269,761, C>T. VCF-style: chr5-177269761-C-T. GRCh37 (hg19) VCF-style: chr5-176696762-C-T.
Other names: c.4590C>T, p.Ser1530= (NM_001365684.2, NM_001409308.1, NM_001409309.1 and 1 more transcripts); c.5463C>T, p.Ser1821= (NM_001409301.1, NM_001409302.1, NM_001409303.1); c.5043C>T, p.Ser1681= (NM_001409304.1); c.4710C>T, p.Ser1570= (NM_001409305.1); c.4701C>T, p.Ser1567= (NM_001409306.1, NM_001409307.1).
Identifiers: ClinVar variation 516040 (VCV000516040.4), dbSNP rs1554202211, ClinGen allele CA447734558.

ClinVar aggregate classification (germline): Uncertain significance (1 of 4 stars; one submission).

Submission:

GeneDx
Classification: Uncertain significance. Last evaluated: 2019-06-29. Review status: criteria provided, single submitter. Criteria: GeneDx Variant Classification Process June 2021. Collection method: clinical testing. Allele origin: germline. Affected: yes.
Comment: Not observed in large population cohorts (Lek et al., 2016); Has not been previously published as pathogenic or benign to our knowledge; In silico analysis, which includes splice predictors and evolutionary conservation, suggests this variant may impact gene splicing. In the absence of RNA/functional studies, the actual effect of this sequence change is unknown